The following is an entry in ClinVar:

ClinVar aggregate classification (germline): Uncertain significance. Review status: criteria provided, multiple submitters, no conflicts (2 of 4 stars). 2 submissions from 2 submitters: Uncertain significance (2). Last evaluated 2025-12-08.

Conditions:
Inborn genetic diseases. Identifiers: MedGen C0950123, MeSH D030342.

Allele frequency attached by ClinVar (database versions not stated): ExAC 0.00003; gnomAD exomes 0.00003; 1000 Genomes Project 30x 0.00016; gnomAD 0.00016 and 0.00019; TOPMed 0.00016; 1000 Genomes Project 0.00020.

Submissions (2):

Labcorp Genetics (formerly Invitae), Labcorp
Classification: Uncertain significance. Last evaluated: 2025-12-08. Review status: criteria provided, single submitter. Criteria: Invitae Variant Classification Sherloc (09022015). Collection method: clinical testing. Allele origin: germline.
Comment: This sequence change replaces alanine, which is neutral and non-polar, with serine, which is neutral and polar, at codon 4042 of the FAT1 protein (p.Ala4042Ser). This variant is present in population databases (rs185555465, gnomAD 0.05%). This variant has not been reported in the literature in individuals affected with FAT1-related conditions. ClinVar contains an entry for this variant (Variation ID: 1479711). An algorithm developed to predict the effect of missense changes on protein structure and function outputs the following: PolyPhen-2: "Benign". The serine amino acid residue is found in multiple mammalian species, which suggests that this missense change does not adversely affect protein function. In summary, the available evidence is currently insufficient to determine the role of this variant in disease. Therefore, it has been classified as a Variant of Uncertain Significance.

Ambry Genetics
Classification: Uncertain significance for Inborn genetic diseases. Last evaluated: 2021-08-09. Review status: criteria provided, single submitter. Criteria: Ambry Variant Classification Scheme 2023. Collection method: clinical testing. Allele origin: germline.

NM_005245.4(FAT1):c.12124G>T (p.Ala4042Ser)

Gene: FAT1 (FAT atypical cadherin 1; minus strand). Cytogenetic location: 4q35.2.
Variant type: single nucleotide variant.
Coding change: c.12124G>T on transcript NM_005245.4 (MANE Select); coding-DNA position 12124, G replaced by T.
Protein change: p.Ala4042Ser; replaces alanine 4042 with serine.
Molecular consequence: missense variant.
Genome position (GRCh38, 1-based): chr4:186,598,105, C>A on the plus strand (G>T on the coding strand, the complement: FAT1 is on the minus strand). VCF-style: chr4-186598105-C-A. GRCh37 (hg19) VCF-style: chr4-187519259-C-A.
Other names: c.12124G>T (NM_005245.3); short protein forms A4042S.
Identifiers: ClinVar variation 1479711 (VCV001479711.9), dbSNP rs185555465, ClinGen allele CA3164931.